The following is an entry in ClinVar:

NM_032043.3(BRIP1):c.3085A>C (p.Ser1029Arg)

Gene: BRIP1 (BRCA1 interacting DNA helicase 1; minus strand). Cytogenetic location: 17q23.2.
Variant type: single nucleotide variant.
Coding change: c.3085A>C on transcript NM_032043.3 (MANE Select); coding-DNA position 3085, A replaced by C.
Protein change: p.Ser1029Arg; replaces serine 1029 with arginine.
Molecular consequence: missense variant.
Genome position (GRCh38, 1-based): chr17:61,683,961, T>G on the plus strand (A>C on the coding strand, the complement: BRIP1 is on the minus strand). VCF-style: chr17-61683961-T-G. GRCh37 (hg19) VCF-style: chr17-59761322-T-G.
Other names: short protein forms S1029R.
Identifiers: ClinVar variation 2564577 (VCV002564577.2), dbSNP rs2061320391, ClinGen allele CA400479814.

ClinVar aggregate classification (germline): Uncertain significance (1 of 4 stars; one submission).

Conditions:
Hereditary cancer-predisposing syndrome. Also called: Neoplastic Syndromes, Hereditary; Hereditary Cancer Syndrome; Hereditary neoplastic syndrome; Tumor predisposition. Identifiers: Orphanet 140162, MedGen C0027672, MeSH D009386, MONDO:0015356.

Allele frequency attached by ClinVar (database versions not stated): TOPMed below 0.00001.

Submission:

Ambry Genetics
Classification: Uncertain significance for Hereditary cancer-predisposing syndrome. Last evaluated: 2023-03-21. Review status: criteria provided, single submitter. Criteria: Ambry Variant Classification Scheme 2023. Collection method: clinical testing. Allele origin: germline.
Comment: The p.S1029R variant (also known as c.3085A>C), located in coding exon 19 of the BRIP1 gene, results from an A to C substitution at nucleotide position 3085. The serine at codon 1029 is replaced by arginine, an amino acid with dissimilar properties. This amino acid position is conserved. In addition, this alteration is predicted to be tolerated by in silico analysis. Since supporting evidence is limited at this time, the clinical significance of this alteration remains unclear.